The following is an entry in ClinVar:

NM_000474.4(TWIST1):c.560T>C (p.Phe187Ser)

Genes: TWIST1 (twist family bHLH transcription factor 1; minus strand), LOC129998021 (ATAC-STARR-seq lymphoblastoid active region 25682; plus strand). Cytogenetic location: 7p21.1.
Variant type: single nucleotide variant.
Coding change: c.560T>C on transcript NM_000474.4 (MANE Select); coding-DNA position 560, T replaced by C.
Protein change: p.Phe187Ser; replaces phenylalanine 187 with serine.
Molecular consequence: missense variant. On other transcripts: non-coding transcript variant (1).
Genome position (GRCh38, 1-based): chr7:19,116,762, A>G on the plus strand (T>C on the coding strand, the complement: TWIST1 is on the minus strand). VCF-style: chr7-19116762-A-G. GRCh37 (hg19) VCF-style: chr7-19156385-A-G.
Other names: short protein forms F187S.
Identifiers: ClinVar variation 543074 (VCV000543074.9), dbSNP rs1554441944, ClinGen allele CA367015166.

ClinVar aggregate classification (germline): Uncertain significance (1 of 4 stars; one submission).

Conditions:
Saethre-Chotzen syndrome (SCS). Also called: CHOTZEN SYNDROME; ACROCEPHALY, SKULL ASYMMETRY, AND MILD SYNDACTYLY; ACS III. Identifiers: Orphanet 794, MedGen C0175699, MONDO:0007042, OMIM 101400.
TWIST1-related craniosynostosis (CRS1). Also called: CRANIOSYNOSTOSIS 1. Identifiers: Orphanet 63440, MedGen C4551902, MONDO:0007399, OMIM 123100. Inheritance: Heterogenous inheritance pattern.

Submission:

Labcorp Genetics (formerly Invitae), Labcorp
Classification: Uncertain significance for TWIST1-related craniosynostosis; Saethre-Chotzen syndrome. Last evaluated: 2017-10-30. Review status: criteria provided, single submitter. Criteria: Invitae Variant Classification Sherloc (09022015). Collection method: clinical testing. Allele origin: germline.
Comment: In summary, the available evidence is currently insufficient to determine the role of this variant in disease. Therefore, it has been classified as a Variant of Uncertain Significance. Algorithms developed to predict the effect of missense changes on protein structure and function do not agree on the potential impact of this missense change (SIFT: "Deleterious"; PolyPhen-2: "Probably Damaging"; Align-GVGD: "Class C0"). This variant has not been reported in the literature in individuals with TWIST1-related disease. This variant is not present in population databases (ExAC no frequency). This sequence change replaces phenylalanine with serine at codon 187 of the TWIST1 protein (p.Phe187Ser). The phenylalanine residue is highly conserved and there is a large physicochemical difference between phenylalanine and serine.